The following is an entry in ClinVar:

ClinVar aggregate classification (germline): Benign (1 of 4 stars; one submission).

Allele frequency attached by ClinVar (database versions not stated): 1000 Genomes Project 30x 0.50328; 1000 Genomes Project 0.50699; TOPMed 0.51024; gnomAD 0.51719.
gnomAD v4.1: 77,631 of 152,018 alleles (51%); highest among the groups gnomAD compares: African/African-American, 55%; 19,874 homozygotes.

Submission:

GeneDx
Classification: Benign. Last evaluated: 2018-06-19. Review status: criteria provided, single submitter. Criteria: GeneDx Variant Classification (06012015). Collection method: clinical testing. Allele origin: germline. Affected: yes.
Comment: This variant is considered likely benign or benign based on one or more of the following criteria: it is a conservative change, it occurs at a poorly conserved position in the protein, it is predicted to be benign by multiple in silico algorithms, and/or has population frequency not consistent with disease.

NM_020433.5(JPH2):c.1289-324A>T

Genes: JPH2 (junctophilin 2; minus strand), LOC121853007 (Sharpr-MPRA regulatory region 3924; plus strand). Cytogenetic location: 20q13.12.
Variant type: single nucleotide variant.
Coding change: c.1289-324A>T on transcript NM_020433.5 (MANE Select); 324 bases into the intron before coding-DNA position 1289, A replaced by T.
Molecular consequence: intron variant.
Genome position (GRCh38, 1-based): chr20:44,116,710, T>A on the plus strand (A>T on the coding strand, the complement: JPH2 is on the minus strand). VCF-style: chr20-44116710-T-A. GRCh37 (hg19) VCF-style: chr20-42745350-T-A.
Identifiers: ClinVar variation 683547 (VCV000683547.1), dbSNP rs875496, ClinGen allele CA14775443.